The following is an entry in ClinVar:

ClinVar aggregate classification (germline): Conflicting classifications of pathogenicity. Review status: criteria provided, conflicting classifications (1 of 4 stars). 2 submissions from 2 submitters: Uncertain significance (1); Likely benign (1). Last evaluated 2024-12-17.

Conditions:
Hereditary cancer-predisposing syndrome. Also called: Neoplastic Syndromes, Hereditary; Tumor predisposition; Hereditary Cancer Syndrome; Hereditary neoplastic syndrome. Identifiers: Orphanet 140162, MedGen C0027672, MeSH D009386, MONDO:0015356.

Submissions (2):

Ambry Genetics
Classification: Likely benign for Hereditary cancer-predisposing syndrome. Last evaluated: 2024-12-17. Review status: criteria provided, single submitter. Criteria: Ambry Variant Classification Scheme 2023. Collection method: clinical testing. Allele origin: germline.

Labcorp Genetics (formerly Invitae), Labcorp
Classification: Uncertain significance. Last evaluated: 2024-04-15. Review status: criteria provided, single submitter. Criteria: Invitae Variant Classification Sherloc (09022015). Collection method: clinical testing. Allele origin: germline.
Comment: This sequence change replaces serine, which is neutral and polar, with arginine, which is basic and polar, at codon 615 of the POLE protein (p.Ser615Arg). This variant is not present in population databases (gnomAD no frequency). This variant has not been reported in the literature in individuals affected with POLE-related conditions. ClinVar contains an entry for this variant (Variation ID: 1781227). Advanced modeling of protein sequence and biophysical properties (such as structural, functional, and spatial information, amino acid conservation, physicochemical variation, residue mobility, and thermodynamic stability) performed at Invitae indicates that this missense variant is not expected to disrupt POLE protein function with a negative predictive value of 80%. In summary, the available evidence is currently insufficient to determine the role of this variant in disease. Therefore, it has been classified as a Variant of Uncertain Significance.

NM_006231.4(POLE):c.1845C>A (p.Ser615Arg)

Gene: POLE (DNA polymerase epsilon, catalytic subunit; minus strand). Cytogenetic location: 12q24.33.
Variant type: single nucleotide variant.
Coding change: c.1845C>A on transcript NM_006231.4 (MANE Select); coding-DNA position 1845, C replaced by A.
Protein change: p.Ser615Arg; replaces serine 615 with arginine.
Molecular consequence: missense variant.
Genome position (GRCh38, 1-based): chr12:132,668,889, G>T on the plus strand (C>A on the coding strand, the complement: POLE is on the minus strand). VCF-style: chr12-132668889-G-T. GRCh37 (hg19) VCF-style: chr12-133245475-G-T.
Other names: short protein forms S615R.
Identifiers: ClinVar variation 1781227 (VCV001781227.5), dbSNP rs2042861410, ClinGen allele CA387355535.